The following is an entry in ClinVar:

ClinVar aggregate classification (germline): Uncertain significance (1 of 4 stars; one submission).

Conditions:
Immunodeficiency 23 (IMD23). Also called: IMMUNODEFICIENCY WITH HYPER IgE AND COGNITIVE IMPAIRMENT; IMMUNODEFICIENCY-VASCULITIS-MYOCLONUS SYNDROME. Identifiers: Orphanet 443811, MedGen C4014371, MONDO:0014353, OMIM 615816.

Allele frequency attached by ClinVar (database versions not stated): gnomAD exomes below 0.00001; TOPMed below 0.00001.
gnomAD v4.1: 3 of 1,610,628 alleles (0.00019%); highest among the groups gnomAD compares: Admixed American, 0.0017%; no homozygotes.

Submission:

Labcorp Genetics (formerly Invitae), Labcorp
Classification: Uncertain significance for Immunodeficiency 23. Last evaluated: 2022-06-23. Review status: criteria provided, single submitter. Criteria: Invitae Variant Classification Sherloc (09022015). Collection method: clinical testing. Allele origin: germline.
Comment: This sequence change replaces asparagine, which is neutral and polar, with serine, which is neutral and polar, at codon 297 of the PGM3 protein (p.Asn297Ser). This variant is not present in population databases (gnomAD no frequency). This variant has not been reported in the literature in individuals affected with PGM3-related conditions. Algorithms developed to predict the effect of missense changes on protein structure and function output the following: SIFT: "Tolerated"; PolyPhen-2: "Benign"; Align-GVGD: "Class C0". The serine amino acid residue is found in multiple mammalian species, which suggests that this missense change does not adversely affect protein function. In summary, the available evidence is currently insufficient to determine the role of this variant in disease. Therefore, it has been classified as a Variant of Uncertain Significance.

NM_015599.3(PGM3):c.806A>G (p.Asn269Ser)

Gene: PGM3 (phosphoglucomutase 3; minus strand). Cytogenetic location: 6q14.1.
Variant type: single nucleotide variant.
Coding change: c.806A>G on transcript NM_015599.3 (MANE Select); coding-DNA position 806, A replaced by G.
Protein change: p.Asn269Ser; replaces asparagine 269 with serine.
Molecular consequence: missense variant. On other transcripts: non-coding transcript variant (1).
Genome position (GRCh38, 1-based): chr6:83,179,949, T>C on the plus strand (A>G on the coding strand, the complement: PGM3 is on the minus strand). VCF-style: chr6-83179949-T-C. GRCh37 (hg19) VCF-style: chr6-83889668-T-C.
Other names: c.890A>G, p.Asn297Ser (NM_001199917.2, NM_001367287.1); c.563A>G, p.Asn188Ser (NM_001199918.2); c.806A>G, p.Asn269Ser (NM_001199919.2, NM_001367286.1); short protein forms N188S, N269S, N297S.
Identifiers: ClinVar variation 2163603 (VCV002163603.1), dbSNP rs1055464349, ClinGen allele CA141949835.